The following is an entry in ClinVar:

ClinVar aggregate classification (germline): Uncertain significance (1 of 4 stars; one submission).

Allele frequency attached by ClinVar (database versions not stated): ExAC 0.00001; gnomAD exomes 0.00001; gnomAD 0.00008.
gnomAD v4.1: 21 of 1,533,396 alleles (0.0014%); highest among the groups gnomAD compares: African/African-American, 0.026%; no homozygotes.

Submission:

GeneDx
Classification: Uncertain significance. Last evaluated: 2022-03-16. Review status: criteria provided, single submitter. Criteria: GeneDx Variant Classification Process June 2021. Collection method: clinical testing. Allele origin: germline. Affected: yes.
Comment: In silico analysis supports that this variant does not alter splicing; Has not been previously published as pathogenic or benign to our knowledge

NM_001378609.3(OTOGL):c.236-3C>T

Gene: OTOGL (otogelin like; plus strand). Cytogenetic location: 12q21.31.
Variant type: single nucleotide variant.
Coding change: c.236-3C>T on transcript NM_001378609.3 (MANE Select); 3 bases into the intron before coding-DNA position 236, C replaced by T.
Molecular consequence: intron variant.
Genome position (GRCh38, 1-based): chr12:80,219,811, C>T. VCF-style: chr12-80219811-C-T. GRCh37 (hg19) VCF-style: chr12-80613591-C-T.
Other names: c.236-3C>T (NM_001368062.3, NM_001378610.3, NM_173591.7).
Identifiers: ClinVar variation 1706088 (VCV001706088.2), dbSNP rs763206718, ClinGen allele CA6700116.